The following is an entry in ClinVar:

NM_000256.3(MYBPC3):c.3794A>T (p.Glu1265Val)

Gene: MYBPC3 (myosin binding protein C3; minus strand). Cytogenetic location: 11p11.2.
Variant type: single nucleotide variant.
Coding change: c.3794A>T on transcript NM_000256.3 (MANE Select); coding-DNA position 3794, A replaced by T.
Protein change: p.Glu1265Val; replaces glutamic acid 1265 with valine.
Molecular consequence: missense variant.
Genome position (GRCh38, 1-based): chr11:47,332,092, T>A on the plus strand (A>T on the coding strand, the complement: MYBPC3 is on the minus strand). VCF-style: chr11-47332092-T-A. GRCh37 (hg19) VCF-style: chr11-47353643-T-A.
Other names: p.E1265V:GAG>GTG; c.3794A>T, p.Glu1265Val (LRG_386t1); short protein forms E1265V.
Identifiers: ClinVar variation 181027 (VCV000181027.2), dbSNP rs730880607, ClinGen allele CA014911.

ClinVar aggregate classification (germline): Uncertain significance (1 of 4 stars; one submission).

Submission:

GeneDx
Classification: Uncertain significance. Last evaluated: 2015-11-24. Review status: criteria provided, single submitter. Criteria: GeneDx Variant Classification (06012015). Collection method: clinical testing. Allele origin: germline. Affected: yes.
Comment: Maron et al. (2012) reported this mutation was not observed in 300 unrelated healthy, ethnically-matched chromosomes. Furthermore, the E1265V mutation was not observed in approximately 6,000 individuals of European and African American ancestry in the NHLBI Exome Sequencing Project, indicating it is not a common benign variant in these populations. E1265V results in a non-conservative amino acid substitution, which is likely to impact secondary protein structure as these residues differ in polarity, charge, size and/or other properties. Mutations in nearby residues (G1260D, C1264F, C1266Y, C1266R) have been reported in association with cardiomyopathy, further supporting the functional importance of this region of the protein. The variant is found in MYBPC3 panel(s).